The following is an entry in ClinVar:

NM_001164508.2(NEB):c.16669A>G (p.Ile5557Val)

Gene: NEB (nebulin; minus strand). Cytogenetic location: 2q23.3.
Variant type: single nucleotide variant.
Coding change: c.16669A>G on transcript NM_001164508.2 (MANE Select); coding-DNA position 16669, A replaced by G.
Protein change: p.Ile5557Val; replaces isoleucine 5557 with valine.
Molecular consequence: missense variant. On other transcripts: intron variant (1).
Genome position (GRCh38, 1-based): chr2:151,579,373, T>C on the plus strand (A>G on the coding strand, the complement: NEB is on the minus strand). VCF-style: chr2-151579373-T-C. GRCh37 (hg19) VCF-style: chr2-152435887-T-C.
Other names: c.16669A>G, p.Ile5557Val (NM_001164507.2, NM_001271208.2); c.11602-3019A>G (NM_004543.5); short protein forms I5557V.
Identifiers: ClinVar variation 380917 (VCV000380917.36), dbSNP rs113439353, ClinGen allele CA1908409.

ClinVar aggregate classification (germline): Benign/Likely benign. Review status: criteria provided, multiple submitters, no conflicts (2 of 4 stars). 6 submissions from 6 submitters: Benign (3); Likely benign (1). 2 of the submissions do not count toward it. Last evaluated 2026-09-01.

Conditions:
Arthrogryposis multiplex congenita 6. Identifiers: MedGen C5543431, MONDO:0030281, OMIM 619334.
Nemaline myopathy 2 (NEM2). Also called: Nemaline myopathy 2, autosomal recessive. Identifiers: MedGen C1850569, MONDO:0009725, OMIM 256030.

Allele frequency attached by ClinVar (database versions not stated): TOPMed 0.00756; gnomAD exomes 0.00831 and 0.01437; gnomAD 0.00833 and 0.00852; 1000 Genomes Project 0.00220; 1000 Genomes Project 30x 0.00234; ESP Exome Variant Server 0.00703; ExAC 0.00721.
gnomAD v4.1: 20,881 of 1,529,888 alleles (1.4%); highest among the groups gnomAD compares: Non-Finnish European, 1.7%; 1,745 homozygotes.

Submissions (6):

CeGaT Center for Human Genetics Tuebingen
Classification: Benign. Last evaluated: 2026-09-01. Review status: criteria provided, single submitter. Criteria: CeGaT Center For Human Genetics Tuebingen Variant Classification Criteria Version 2. Collection method: clinical testing. Allele origin: germline. Affected: yes. Observed: 32 variant alleles.
Comment: NEB: BP4, BS1, BS2

Fulgent Genetics
Classification: Likely benign for Nemaline myopathy 2; Arthrogryposis multiplex congenita 6. Last evaluated: 2022-03-04. Review status: criteria provided, single submitter. Criteria: ACMG Guidelines, 2015. Collection method: clinical testing. Allele origin: unknown.

GeneDx
Classification: Benign. Last evaluated: 2016-10-21. Review status: criteria provided, single submitter. Criteria: GeneDx Variant Classification (06012015). Collection method: clinical testing. Allele origin: germline. Affected: yes.
Comment: This variant is considered likely benign or benign based on one or more of the following criteria: it is a conservative change, it occurs at a poorly conserved position in the protein, it is predicted to be benign by multiple in silico algorithms, and/or has population frequency not consistent with disease.

Breakthrough Genomics
Classification: Benign. Review status: criteria provided, single submitter. Criteria: ACMG Guidelines, 2015. Collection method: not provided. Allele origin: germline. Inheritance: Autosomal recessive inheritance. Affected: yes.

Genome Diagnostics Laboratory, University Medical Center Utrecht
Classification: Likely benign. Review status: no assertion criteria provided. Collection method: clinical testing. Allele origin: germline. Affected: yes. Study: VKGL Data-share Consensus. Not counted in ClinVar's aggregate classification.

Laboratory of Diagnostic Genome Analysis, Leiden University Medical Center (LUMC)
Classification: Likely benign. Review status: no assertion criteria provided. Collection method: clinical testing. Allele origin: germline. Affected: yes. Study: VKGL Data-share Consensus. Not counted in ClinVar's aggregate classification.